The following is an entry in ClinVar:

NM_007294.4(BRCA1):c.3359T>A (p.Val1120Asp)

Genes: BRCA1 (BRCA1 DNA repair associated; minus strand), LOC126862571 (BRD4-independent group 4 enhancer GRCh37_chr17:41243136-41244335; plus strand). Cytogenetic location: 17q21.31.
Variant type: single nucleotide variant.
Coding change: c.3359T>A on transcript NM_007294.4 (MANE Select); coding-DNA position 3359, T replaced by A.
Protein change: p.Val1120Asp; replaces valine 1120 with aspartic acid.
Molecular consequence: missense variant. On other transcripts: intron variant (137).
Genome position (GRCh38, 1-based): chr17:43,092,172, A>T on the plus strand (T>A on the coding strand, the complement: BRCA1 is on the minus strand). VCF-style: chr17-43092172-A-T. GRCh37 (hg19) VCF-style: chr17-41244189-A-T.
Other names: c.3146T>A, p.Val1049Asp (NM_001407571.1, NM_001407853.1, NM_001407894.1 and 9 more transcripts); c.3359T>A, p.Val1120Asp (NM_001407581.1, NM_001407598.1, NM_001407602.1 and 30 more transcripts); c.3356T>A, p.Val1119Asp (NM_001407610.1, NM_001407611.1, NM_001407612.1 and 22 more transcripts); c.3350T>A, p.Val1117Asp (NM_001407646.1, NM_001407647.1); c.3236T>A, p.Val1079Asp (NM_001407648.1, NM_001407664.1, NM_001407665.1 and 19 more transcripts); c.3233T>A, p.Val1078Asp (NM_001407649.1, NM_001407670.1, NM_001407671.1 and 11 more transcripts); c.3281T>A, p.Val1094Asp (NM_001407653.1, NM_001407654.1, NM_001407655.1 and 4 more transcripts); c.3278T>A, p.Val1093Asp (NM_001407659.1, NM_001407660.1, NM_001407661.1 and 1 more transcripts); and 41 more; short protein forms V1120D, V1073D, V1032D, V1094D, V992D, V1009D, V1049D, V1052D.
Identifiers: ClinVar variation 489715 (VCV000489715.22), dbSNP rs1361427704, ClinGen allele CA10595262.

ClinVar aggregate classification (germline): Conflicting classifications of pathogenicity. Review status: criteria provided, conflicting classifications (1 of 4 stars). 6 submissions from 6 submitters: Uncertain significance (4); Likely benign (2). Last evaluated 2025-11-21.

Conditions:
Hereditary breast ovarian cancer syndrome. Also called: Breast and ovarian cancer; Hereditary breast and/or ovarian cancer syndrome; BRCA1- and BRCA2-Associated Hereditary Breast and Ovarian Cancer; Hereditary breast and ovarian cancer syndrome; Hereditary breast and ovarian cancer syndrome (HBOC); Hereditary breast and ovarian cancer. Identifiers: Orphanet 145, MedGen C0677776, MeSH D061325, MONDO:0003582. Disease mechanism: loss of function.
Breast-ovarian cancer, familial, susceptibility to, 1 (BROVCA1). Also called: BRCA1 Hereditary Breast and Ovarian Cancer; OVARIAN CANCER, SUSCEPTIBILITY TO. Identifiers: Orphanet 145, MedGen C2676676, MONDO:0011450, OMIM 604370. Disease mechanism: loss of function.
Hereditary cancer-predisposing syndrome. Also called: Tumor predisposition; Hereditary Cancer Syndrome; Hereditary neoplastic syndrome; Neoplastic Syndromes, Hereditary. Identifiers: Orphanet 140162, MedGen C0027672, MeSH D009386, MONDO:0015356.

Allele frequency attached by ClinVar (database versions not stated): gnomAD exomes below 0.00001; TOPMed below 0.00001; gnomAD 0.00001.
gnomAD v4.1: 5 of 1,613,232 alleles (0.00031%); highest among the groups gnomAD compares: Non-Finnish European, 0.00042%; no homozygotes.

Submissions (6):

Women's Health and Genetics/Laboratory Corporation of America, LabCorp
Classification: Uncertain significance. Last evaluated: 2025-11-21. Review status: criteria provided, single submitter. Criteria: LabCorp Variant Classification Summary - May 2015. Collection method: clinical testing. Allele origin: germline.
Comment: Variant summary: BRCA1 c.3359T>A (p.Val1120Asp) results in a non-conservative amino acid change in the encoded protein sequence. Algorithms developed to predict the effect of missense changes on protein structure and function are either unavailable or do not agree on the potential impact of this missense change. The variant allele was found at a frequency of 4e-06 in 250334 control chromosomes. The available data on variant occurrences in the general population are insufficient to allow any conclusion about variant significance. c.3359T>A has been observed in a French family with breast and/or ovarian cancer without strong evidence for causality (Anczukow_2008). These report(s) do not provide unequivocal conclusions about association of the variant with Hereditary Breast And Ovarian Cancer Syndrome. One publication reports experimental evidence evaluating an impact on protein function, however, does not allow convincing conclusions about the variant effect. The following publications have been ascertained in the context of this evaluation (PMID: 23893897, 18273839). ClinVar contains an entry for this variant (Variation ID: 489715). Based on the evidence outlined above, the variant was classified as uncertain significance.

Color Diagnostics, LLC DBA Color Health
Classification: Uncertain significance for Hereditary cancer-predisposing syndrome. Last evaluated: 2025-09-17. Review status: criteria provided, single submitter. Criteria: ACMG Guidelines, 2015. Collection method: clinical testing. Allele origin: germline.
Comment: This missense variant replaces valine with aspartic acid at codon 1120 of the BRCA1 protein. Computational prediction is inconclusive regarding the impact of this variant on protein structure and function. To our knowledge, functional studies have not been reported for this variant. This variant has been detected in a breast cancer case-control meta-analysis in 1/60466 cases and 0/53461 unaffected individuals (PMID: 33471991Leiden Open Variation Database DB-ID BRCA1_002135). This variant has been identified in 1/250334 chromosomes in the general population by the Genome Aggregation Database (gnomAD). The available evidence is insufficient to determine the role of this variant in disease conclusively. Therefore, this variant is classified as a Variant of Uncertain Significance.

Labcorp Genetics (formerly Invitae), Labcorp
Classification: Uncertain significance for Hereditary breast ovarian cancer syndrome. Last evaluated: 2025-07-23. Review status: criteria provided, single submitter. Criteria: Invitae Variant Classification Sherloc (09022015). Collection method: clinical testing. Allele origin: germline.
Comment: This sequence change replaces valine, which is neutral and non-polar, with aspartic acid, which is acidic and polar, at codon 1120 of the BRCA1 protein (p.Val1120Asp). This variant is present in population databases (no rsID available, gnomAD 0.0009%). This missense change has been observed in individual(s) with breast and/or ovarian cancer (PMID: 18273839). ClinVar contains an entry for this variant (Variation ID: 489715). Invitae Evidence Modeling of protein sequence and biophysical properties (such as structural, functional, and spatial information, amino acid conservation, physicochemical variation, residue mobility, and thermodynamic stability) indicates that this missense variant is expected to disrupt BRCA1 protein function with a positive predictive value of 80%. In summary, the available evidence is currently insufficient to determine the role of this variant in disease. Therefore, it has been classified as a Variant of Uncertain Significance.

Ambry Genetics
Classification: Uncertain significance for Hereditary cancer-predisposing syndrome. Last evaluated: 2024-11-16. Review status: criteria provided, single submitter. Criteria: Ambry Variant Classification Scheme 2023. Collection method: clinical testing. Allele origin: germline.
Comment: The p.V1120D variant (also known as c.3359T>A), located in coding exon 9 of the BRCA1 gene, results from a T to A substitution at nucleotide position 3359. The valine at codon 1120 is replaced by aspartic acid, an amino acid with highly dissimilar properties. This amino acid position is well conserved in available vertebrate species. In addition, this alteration is predicted to be deleterious by in silico analysis. Since supporting evidence is limited at this time, the clinical significance of this alteration remains unclear.

Myriad Genetics, Inc.
Classification: Likely benign for Breast-ovarian cancer, familial, susceptibility to, 1. Last evaluated: 2023-06-13. Review status: criteria provided, single submitter. Criteria: Myriad Autosomal Dominant, Autosomal Recessive and X-Linked Classification Criteria (2023). Collection method: clinical testing. Allele origin: unknown.
Comment: This variant is considered likely benign. This variant is strongly associated with less severe personal and family histories of cancer, typical for individuals without pathogenic variants in this gene [PMID: 25085752].

University of Washington Department of Laboratory Medicine, University of Washington
Classification: Likely benign for Hereditary cancer-predisposing syndrome. Last evaluated: 2023-03-23. Review status: criteria provided, single submitter. Criteria: Dines et al. (Genet Med. 2020). Collection method: curation. Allele origin: germline.
Comment: Missense variant in a coldspot region where missense variants are very unlikely to be pathogenic (PMID:31911673).

BRCA1 coldspot (exon 11 using historical exon numbering). Reclassification based on statistical prior probability

Literature cited by the submitters: PubMed 23893897 (cited by Women's Health and Genetics/Laboratory Corporation of America, LabCorp); PubMed 18273839 (cited by Women's Health and Genetics/Laboratory Corporation of America, LabCorp and Labcorp Genetics (formerly Invitae), Labcorp); PubMed 33471991 (cited by Color Diagnostics, LLC DBA Color Health); PubMed 25085752 (cited by Myriad Genetics, Inc.).